The following is an entry in ClinVar:

ClinVar aggregate classification (germline): Conflicting classifications of pathogenicity. Review status: criteria provided, conflicting classifications (1 of 4 stars). 5 submissions from 4 submitters: Uncertain significance (2); Likely benign (2). 1 of the submissions does not count toward it. Last evaluated 2025-05-11.

Conditions:
Schwartz-Jampel syndrome. Also called: Myotonic myopathy dwarfism chondrodystrophy and ocular and facial abnormalities. Identifiers: Orphanet 800, MedGen C0036391, MONDO:0009717.
HSPG2-related disorder. Also called: HSPG2-related disorders; HSPG2-related condition.
Lethal Kniest-like syndrome (DDSH). Also called: Dyssegmental Dysplasia. Identifiers: Orphanet 1865, MedGen C1857100, MONDO:0009140, OMIM 224410.

Allele frequency attached by ClinVar (database versions not stated): TOPMed 0.00014; ESP Exome Variant Server 0.00015.
gnomAD v4.1: 299 of 1,612,734 alleles (0.019%); highest among the groups gnomAD compares: South Asian, 0.077%; no homozygotes.

Submissions (5):

Labcorp Genetics (formerly Invitae), Labcorp
Classification: Likely benign. Last evaluated: 2025-05-11. Review status: criteria provided, single submitter. Criteria: Invitae Variant Classification Sherloc (09022015). Collection method: clinical testing. Allele origin: germline.

Blueprint Genetics
Classification: Likely benign. Last evaluated: 2024-11-06. Review status: criteria provided, single submitter. Criteria: ACMG Guidelines, 2015. Collection method: clinical testing. Allele origin: germline.

Illumina Laboratory Services, Illumina
Classification: Uncertain significance for Schwartz-Jampel syndrome type 1. Last evaluated: 2018-01-13. Review status: criteria provided, single submitter. Criteria: ICSL Variant Classification Criteria 13 December 2019. Collection method: clinical testing. Allele origin: germline.

Illumina Laboratory Services, Illumina
Classification: Uncertain significance for Lethal Kniest-like syndrome. Last evaluated: 2018-01-13. Review status: criteria provided, single submitter. Criteria: ICSL Variant Classification Criteria 13 December 2019. Collection method: clinical testing. Allele origin: germline.

PreventionGenetics, part of Exact Sciences
Classification: Likely benign for HSPG2-related condition. Last evaluated: 2022-06-13. Review status: no assertion criteria provided. Collection method: clinical testing. Allele origin: germline. Not counted in ClinVar's aggregate classification.
Comment: This variant is classified as likely benign based on ACMG/AMP sequence variant interpretation guidelines (Richards et al. 2015 PMID: 25741868, with internal and published modifications).

NM_005529.7(HSPG2):c.5916C>T (p.Thr1972=)

Gene: HSPG2 (heparan sulfate proteoglycan 2; minus strand). Cytogenetic location: 1p36.12.
Variant type: single nucleotide variant.
Coding change: c.5916C>T on transcript NM_005529.7 (MANE Select); coding-DNA position 5916, C replaced by T.
Protein change: p.Thr1972=; no amino-acid change (threonine 1972 retained).
Molecular consequence: synonymous variant.
Genome position (GRCh38, 1-based): chr1:21,855,385, G>A on the plus strand (C>T on the coding strand, the complement: HSPG2 is on the minus strand). VCF-style: chr1-21855385-G-A. GRCh37 (hg19) VCF-style: chr1-22181878-G-A.
Other names: c.5919C>T, p.Thr1973= (NM_001291860.2).
Identifiers: ClinVar variation 295822 (VCV000295822.16), dbSNP rs147669915, ClinGen allele CA671745.
Genomic context (GRCh38, chr1:21,855,385, plus strand): 5'-TTCCTTCCTCCAGGTGATGGTGGCGCTAGGCACGCCTGCAGCCCTGCAGTACAGCCTGAC[G>A]GTGCGGCCTGCGTGGACCTGGGTCCTCTCTGGGCTCACTTGGACTCTGGGCCCACCGCCC-3'
Protein context (NP_005520.4, residues 1962-1982): PERTQVHAGR[Thr1972=]VRLYCRAAGV